The following is an entry in ClinVar:

NM_001085411.3(NADK2):c.458A>T (p.Asp153Val)

Gene: NADK2 (NAD kinase 2, mitochondrial; minus strand). Cytogenetic location: 5p13.2.
Variant type: single nucleotide variant.
Coding change: c.458A>T on transcript NM_001085411.3 (MANE Select); coding-DNA position 458, A replaced by T.
Protein change: p.Asp153Val; replaces aspartic acid 153 with valine.
Molecular consequence: missense variant. On other transcripts: 5 prime UTR variant (3).
Genome position (GRCh38, 1-based): chr5:36,226,495, T>A on the plus strand (A>T on the coding strand, the complement: NADK2 is on the minus strand). VCF-style: chr5-36226495-T-A. GRCh37 (hg19) VCF-style: chr5-36226597-T-A.
Other names: c.-32A>T (NM_001287340.2, NM_001287341.2, NM_153013.5); short protein forms D153V.
Identifiers: ClinVar variation 1717524 (VCV001717524.5), dbSNP rs1042533428, ClinGen allele CA117004100.
Genomic context (GRCh38, chr5:36,226,495, plus strand): 5'-TTTGTATATGCCAACATCTTTACTTCTGTCAAATTATTACCTCCTGCAGCTATGACAGCA[T>A]CTGCCCATCGAACAGTCTCTTCATCATATTCTCTCCTCTTTACTAGACGAACCTCAATTC-3'
Protein context (NP_001078880.1, residues 143-163): EYDEETVRWA[Asp153Val]AVIAAGGDGT

ClinVar aggregate classification (germline): Uncertain significance (1 of 4 stars; one submission).

Conditions:
Progressive encephalopathy with leukodystrophy due to DECR deficiency. Identifiers: Orphanet 431361, MedGen C1857252, MONDO:0014464, OMIM 616034.

Allele frequency attached by ClinVar (database versions not stated): gnomAD 0.00001; gnomAD exomes 0.00001; TOPMed 0.00001.

Submission:

Labcorp Genetics (formerly Invitae), Labcorp
Classification: Uncertain significance for Progressive encephalopathy with leukodystrophy due to DECR deficiency. Last evaluated: 2022-11-21. Review status: criteria provided, single submitter. Criteria: Invitae Variant Classification Sherloc (09022015). Collection method: clinical testing. Allele origin: germline.
Comment: In summary, the available evidence is currently insufficient to determine the role of this variant in disease. Therefore, it has been classified as a Variant of Uncertain Significance. Advanced modeling of protein sequence and biophysical properties (such as structural, functional, and spatial information, amino acid conservation, physicochemical variation, residue mobility, and thermodynamic stability) performed at Invitae indicates that this missense variant is expected to disrupt NADK2 protein function. This variant has not been reported in the literature in individuals affected with NADK2-related conditions. This variant is not present in population databases (gnomAD no frequency). This sequence change replaces aspartic acid, which is acidic and polar, with valine, which is neutral and non-polar, at codon 153 of the NADK2 protein (p.Asp153Val).